The following is an entry in ClinVar:

ClinVar aggregate classification (germline): Pathogenic (1 of 4 stars; one submission).

Conditions:
Hereditary breast ovarian cancer syndrome. Also called: BRCA1- and BRCA2-Associated Hereditary Breast and Ovarian Cancer; Breast and ovarian cancer; Hereditary breast and ovarian cancer; Hereditary breast and ovarian cancer syndrome (HBOC); Hereditary breast and ovarian cancer syndrome; Hereditary breast and/or ovarian cancer syndrome. Identifiers: Orphanet 145, MedGen C0677776, MeSH D061325, MONDO:0003582. Disease mechanism: loss of function.

Submission:

Labcorp Genetics (formerly Invitae), Labcorp
Classification: Pathogenic for Hereditary breast ovarian cancer syndrome. Last evaluated: 2025-12-01. Review status: criteria provided, single submitter. Criteria: Invitae Variant Classification Sherloc (09022015). Collection method: clinical testing. Allele origin: germline.
Comment: This sequence change creates a premature translational stop signal (p.Pro1585Glnfs*16) in the BRCA1 gene. It is expected to result in an absent or disrupted protein product. Loss-of-function variants in BRCA1 are known to be pathogenic (PMID: 20104584). This variant is not present in population databases (gnomAD no frequency). This variant has not been reported in the literature in individuals affected with BRCA1-related conditions. For these reasons, this variant has been classified as Pathogenic.

Literature cited by the submitters: PubMed 20104584.

NM_007294.4(BRCA1):c.4754del (p.Pro1585fs)

Gene: BRCA1 (BRCA1 DNA repair associated; minus strand). Cytogenetic location: 17q21.31.
Variant type: Deletion.
Coding change: c.4754del on transcript NM_007294.4 (MANE Select); coding-DNA position 4754, one base deleted (C; older notation c.4754delC).
Protein change: p.Pro1585fs; shifts the reading frame from proline 1585.
Molecular consequence: frameshift variant. On other transcripts: intron variant (1).
Genome position (GRCh38, 1-based): chr17:43,071,160, G deleted on the plus strand (C on the coding strand, the reverse complement: BRCA1 is on the minus strand); the first of 4 consecutive G bases (chr17:43,071,160-43,071,163); deleting any one gives the same sequence. VCF-style (leftmost placement, unchanged base first): chr17-43071159-TG-T. GRCh37 (hg19) VCF-style: chr17-41223176-TG-T.
Other names: c.4610del, p.Pro1537fs (NM_001407743.1, NM_001407744.1, NM_001407945.1 and 21 more transcripts); c.4553del, p.Pro1518fs (NM_001407862.1); c.4628del, p.Pro1543fs (NM_001407863.1, NM_001407939.1, NM_001407940.1 and 11 more transcripts); c.4541del, p.Pro1514fs (NM_001407896.1, NM_001407897.1, NM_001407904.1 and 12 more transcripts); c.4547del, p.Pro1516fs (NM_001407874.1, NM_001407875.1); c.4544del, p.Pro1515fs (NM_001407879.1, NM_001407886.1, NM_001407884.1 and 5 more transcripts); c.4421del, p.Pro1474fs (NM_001407948.1, NM_001407949.1, NM_001407946.1 and 1 more transcripts); c.4418del, p.Pro1473fs (NM_001407950.1, NM_001407951.1, NM_001407952.1 and 3 more transcripts); and 71 more; short protein forms P1289fs, P1495fs, P1496fs, P1513fs, P1536fs, P1543fs, P1607fs, P355fs.
Identifiers: ClinVar variation 4732290 (VCV004732290.1).